The following is an entry in ClinVar:

ClinVar aggregate classification (germline): Uncertain significance. Review status: criteria provided, multiple submitters, no conflicts (2 of 4 stars). 2 submissions from 2 submitters: Uncertain significance (2). Last evaluated 2023-12-07.

Conditions:
Cornelia de Lange syndrome 3 (CDLS3). Also called: SMC3-Related Cornelia de Lange Syndrome; CORNELIA DE LANGE SYNDROME 3 WITH OR WITHOUT MIDLINE BRAIN DEFECTS. Identifiers: Orphanet 199, MedGen C1853099, MONDO:0012555, OMIM 610759.

Allele frequency attached by ClinVar (database versions not stated): gnomAD below 0.00001 and 0.00003; ExAC 0.00002; gnomAD exomes 0.00003 and 0.00004.
gnomAD v4.1: 47 of 1,614,034 alleles (0.0029%); highest among the groups gnomAD compares: South Asian, 0.051%; 2 homozygotes.

Submissions (2):

Labcorp Genetics (formerly Invitae), Labcorp
Classification: Uncertain significance for Cornelia de Lange syndrome 3. Last evaluated: 2023-12-07. Review status: criteria provided, single submitter. Criteria: Invitae Variant Classification Sherloc (09022015). Collection method: clinical testing. Allele origin: germline.
Comment: This sequence change replaces alanine, which is neutral and non-polar, with glycine, which is neutral and non-polar, at codon 484 of the SMC3 protein (p.Ala484Gly). This variant is present in population databases (rs758758728, gnomAD 0.03%), including at least one homozygous and/or hemizygous individual. This missense change has been observed in individual(s) with clinical features of SMC3-related conditions (Invitae). ClinVar contains an entry for this variant (Variation ID: 465777). Advanced modeling of protein sequence and biophysical properties (such as structural, functional, and spatial information, amino acid conservation, physicochemical variation, residue mobility, and thermodynamic stability) performed at Invitae indicates that this missense variant is not expected to disrupt SMC3 protein function with a negative predictive value of 80%. In summary, the available evidence is currently insufficient to determine the role of this variant in disease. Therefore, it has been classified as a Variant of Uncertain Significance.

Fulgent Genetics
Classification: Uncertain significance for Cornelia de Lange syndrome 3. Last evaluated: 2018-10-31. Review status: criteria provided, single submitter. Criteria: ACMG Guidelines, 2015. Collection method: clinical testing. Allele origin: unknown.

NM_005445.4(SMC3):c.1451C>G (p.Ala484Gly)

Gene: SMC3 (structural maintenance of chromosomes 3; plus strand). Cytogenetic location: 10q25.2.
Variant type: single nucleotide variant.
Coding change: c.1451C>G on transcript NM_005445.4 (MANE Select); coding-DNA position 1451, C replaced by G.
Protein change: p.Ala484Gly; replaces alanine 484 with glycine.
Molecular consequence: missense variant.
Genome position (GRCh38, 1-based): chr10:110,589,933, C>G. VCF-style: chr10-110589933-C-G. GRCh37 (hg19) VCF-style: chr10-112349691-C-G.
Other names: short protein forms A484G.
Identifiers: ClinVar variation 465777 (VCV000465777.10), dbSNP rs758758728, ClinGen allele CA5687972.